The following is an entry in ClinVar:

NM_000264.5(PTCH1):c.13G>T (p.Gly5Cys)

Genes: PTCH1 (patched 1; minus strand), LOC130002133 (ATAC-STARR-seq lymphoblastoid silent region 20071; plus strand). Cytogenetic location: 9q22.32.
Variant type: single nucleotide variant.
Coding change: c.13G>T on transcript NM_000264.5 (MANE Select); coding-DNA position 13, G replaced by T.
Protein change: p.Gly5Cys; replaces glycine 5 with cysteine.
Molecular consequence: missense variant. On other transcripts: non-coding transcript variant (1), intron variant (3).
Genome position (GRCh38, 1-based): chr9:95,508,349, C>A on the plus strand (G>T on the coding strand, the complement: PTCH1 is on the minus strand). VCF-style: chr9-95508349-C-A. GRCh37 (hg19) VCF-style: chr9-98270631-C-A.
Other names: c.13G>T, p.Gly5Cys (NM_001354918.2); c.199-1750G>T (NM_001083603.3); c.4-1750G>T (NM_001083602.3, NM_001354919.2); short protein forms G5C.
Identifiers: ClinVar variation 3939904 (VCV003939904.1).
Genomic context (GRCh38, chr9:95,508,349, plus strand): 5'-CCGGGGCACCGATACAGCCGCTGCCGCCGCCGCCGCGGTCCTGGGGCTCGGCGGCGTTAC[C>A]AGCCGAGGCCATGTTGCCGCCGCCGCCGCCGCCGCCGCGGGGACGGAGGCTTCCCGGGCG-3'
Protein context (NP_000255.2, residues 1-15): MASA[Gly5Cys]NAAEPQDRGG

ClinVar aggregate classification (germline): Uncertain significance (1 of 4 stars; one submission).

Conditions:
Hereditary cancer-predisposing syndrome. Also called: Tumor predisposition; Hereditary neoplastic syndrome; Hereditary Cancer Syndrome; Neoplastic Syndromes, Hereditary. Identifiers: Orphanet 140162, MedGen C0027672, MeSH D009386, MONDO:0015356.

Submission:

Ambry Genetics
Classification: Uncertain significance for Hereditary cancer-predisposing syndrome. Last evaluated: 2025-05-11. Review status: criteria provided, single submitter. Criteria: Ambry Variant Classification Scheme 2023. Collection method: clinical testing. Allele origin: germline.
Comment: The p.G5C variant (also known as c.13G>T), located in coding exon 1 of the PTCH1 gene, results from a G to T substitution at nucleotide position 13. The glycine at codon 5 is replaced by cysteine, an amino acid with highly dissimilar properties. This amino acid position is conserved. In addition, the in silico prediction for this alteration is inconclusive. Based on the available evidence, the clinical significance of this variant remains unclear.